The following is an entry in ClinVar:

NM_001351132.2(PEX5):c.1369C>T (p.Arg457Cys)

Gene: PEX5 (peroxisomal biogenesis factor 5; plus strand). Cytogenetic location: 12p13.31.
Variant type: single nucleotide variant.
Coding change: c.1369C>T on transcript NM_001351132.2 (MANE Select); coding-DNA position 1369, C replaced by T.
Protein change: p.Arg457Cys; replaces arginine 457 with cysteine.
Molecular consequence: missense variant.
Genome position (GRCh38, 1-based): chr12:7,208,644, C>T. VCF-style: chr12-7208644-C-T. GRCh37 (hg19) VCF-style: chr12-7361240-C-T.
Other names: c.1345C>T, p.Arg449Cys (NM_000319.5); c.1414C>T, p.Arg472Cys (NM_001131023.2); c.1258C>T, p.Arg420Cys (NM_001131024.2, NM_001351124.3, NM_001351126.2 and 7 more transcripts); c.1369C>T, p.Arg457Cys (NM_001131025.2, NM_001131026.2, NM_001300789.3 and 4 more transcripts); c.1303C>T, p.Arg435Cys (NM_001351135.3, NM_001351138.2); c.1360C>T, p.Arg454Cys (NM_001351136.2); c.1234C>T, p.Arg412Cys (NM_001351139.2, NM_001351140.2, NM_001374649.2); short protein forms R457C, R454C, R472C, R420C, R435C, R449C, R412C.
Identifiers: ClinVar variation 813575 (VCV000813575.8), dbSNP rs199544306, ClinGen allele CA6426434.

ClinVar aggregate classification (germline): Uncertain significance. Review status: criteria provided, multiple submitters, no conflicts (2 of 4 stars). 3 submissions from 3 submitters: Uncertain significance (2). 1 of the submissions does not count toward it. Last evaluated 2023-10-26.

Conditions:
Microcephaly. Also called: Microcephaly (disease). Identifiers: MedGen C4551563, MONDO:0001149, HP:0000252.
Peroxisome biogenesis disorder 2B (PBD2B). Identifiers: Orphanet 44, MedGen C3550234, MONDO:0008736, OMIM 202370.

Allele frequency attached by ClinVar (database versions not stated): gnomAD 0.00001; gnomAD exomes 0.00001 and 0.00002; TOPMed 0.00001; ExAC 0.00003; 1000 Genomes Project 30x 0.00016; 1000 Genomes Project 0.00020.
gnomAD v4.1: 20 of 1,613,686 alleles (0.0012%); highest among the groups gnomAD compares: East Asian, 0.022%; no homozygotes.

Submissions (3):

Blueprint Genetics
Classification: Uncertain significance. Last evaluated: 2023-10-26. Review status: criteria provided, single submitter. Criteria: ACMG Guidelines, 2015. Collection method: clinical testing. Allele origin: germline.

Labcorp Genetics (formerly Invitae), Labcorp
Classification: Uncertain significance for Peroxisome biogenesis disorder 2B. Last evaluated: 2023-10-22. Review status: criteria provided, single submitter. Criteria: Invitae Variant Classification Sherloc (09022015). Collection method: clinical testing. Allele origin: germline.
Comment: This sequence change replaces arginine, which is basic and polar, with cysteine, which is neutral and slightly polar, at codon 457 of the PEX5 protein (p.Arg457Cys). This variant is present in population databases (rs199544306, gnomAD 0.02%). This variant has not been reported in the literature in individuals affected with PEX5-related conditions. ClinVar contains an entry for this variant (Variation ID: 813575). Advanced modeling of protein sequence and biophysical properties (such as structural, functional, and spatial information, amino acid conservation, physicochemical variation, residue mobility, and thermodynamic stability) performed at Invitae indicates that this missense variant is expected to disrupt PEX5 protein function. In summary, the available evidence is currently insufficient to determine the role of this variant in disease. Therefore, it has been classified as a Variant of Uncertain Significance.

Department of Pediatrics, Samsung Medical Center, Samsung Medical Center
Classification: Uncertain significance for Microcephaly. Review status: no assertion criteria provided. Criteria: ACMG Guidelines, 2015. Collection method: research. Allele origin: germline. Affected: yes. Not counted in ClinVar's aggregate classification.